The following is an entry in ClinVar:

NM_000426.4(LAMA2):c.2223G>T (p.Arg741Ser)

Gene: LAMA2 (laminin subunit alpha 2; plus strand). Cytogenetic location: 6q22.33.
Variant type: single nucleotide variant.
Coding change: c.2223G>T on transcript NM_000426.4 (MANE Select); coding-DNA position 2223, G replaced by T.
Protein change: p.Arg741Ser; replaces arginine 741 with serine.
Molecular consequence: missense variant.
Genome position (GRCh38, 1-based): chr6:129,267,120, G>T. VCF-style: chr6-129267120-G-T. GRCh37 (hg19) VCF-style: chr6-129588265-G-T.
Other names: c.2223G>T, p.Arg741Ser (NM_001079823.2); short protein forms R741S.
Identifiers: ClinVar variation 4538093 (VCV004538093.1).

ClinVar aggregate classification (germline): Uncertain significance (1 of 4 stars; one submission).

Submission:

GeneDx
Classification: Uncertain significance. Last evaluated: 2025-06-10. Review status: criteria provided, single submitter. Criteria: GeneDx Variant Classification Process June 2021. Collection method: clinical testing. Allele origin: germline. Affected: yes.
Comment: Not observed at significant frequency in large population cohorts (gnomAD); In silico analysis suggests that this missense variant does not alter protein structure/function; Has not been previously published as pathogenic or benign to our knowledge